The following is an entry in ClinVar:

NM_006904.7(PRKDC):c.7465A>G (p.Ser2489Gly)

Gene: PRKDC (protein kinase, DNA-activated, catalytic subunit; minus strand). Cytogenetic location: 8q11.21.
Variant type: single nucleotide variant.
Coding change: c.7465A>G on transcript NM_006904.7 (MANE Select); coding-DNA position 7465, A replaced by G.
Protein change: p.Ser2489Gly; replaces serine 2489 with glycine.
Molecular consequence: missense variant.
Genome position (GRCh38, 1-based): chr8:47,839,236, T>C on the plus strand (A>G on the coding strand, the complement: PRKDC is on the minus strand). VCF-style: chr8-47839236-T-C. GRCh37 (hg19) VCF-style: chr8-48751797-T-C.
Other names: c.7465A>G, p.Ser2489Gly (NM_001081640.2); short protein forms S2489G.
Identifiers: ClinVar variation 856587 (VCV000856587.8), dbSNP rs2088091237, ClinGen allele CA371154821.

ClinVar aggregate classification (germline): Uncertain significance (1 of 4 stars; one submission).

Conditions:
Severe combined immunodeficiency due to DNA-PKcs deficiency. Also called: Immunodeficiency 26 with or without neurologic abnormalities; IMMUNODEFICIENCY 26 WITH NEUROLOGIC ABNORMALITIES. Identifiers: Orphanet 317425, MedGen C4014833, MONDO:0014423, OMIM 615966.

Submission:

Labcorp Genetics (formerly Invitae), Labcorp
Classification: Uncertain significance for Severe combined immunodeficiency due to DNA-PKcs deficiency. Last evaluated: 2019-03-01. Review status: criteria provided, single submitter. Criteria: Invitae Variant Classification Sherloc (09022015). Collection method: clinical testing. Allele origin: germline.
Comment: This sequence change replaces serine with glycine at codon 2489 of the PRKDC protein (p.Ser2489Gly). The serine residue is highly conserved and there is a small physicochemical difference between serine and glycine. This variant is not present in population databases (ExAC no frequency). This variant has not been reported in the literature in individuals with PRKDC-related conditions. Algorithms developed to predict the effect of missense changes on protein structure and function are either unavailable or do not agree on the potential impact of this missense change (SIFT: "Deleterious"; PolyPhen-2: "Benign"; Align-GVGD: "Class C55"). Algorithms developed to predict the effect of sequence changes on RNA splicing suggest that this variant may create or strengthen a splice site, but this prediction has not been confirmed by published transcriptional studies. In summary, the available evidence is currently insufficient to determine the role of this variant in disease. Therefore, it has been classified as a Variant of Uncertain Significance.